The following is an entry in ClinVar:

NM_001939.3(DRP2):c.1454+5G>A

Gene: DRP2 (dystrophin related protein 2; plus strand). Cytogenetic location: Xq22.1.
Variant type: single nucleotide variant.
Coding change: c.1454+5G>A on transcript NM_001939.3 (MANE Select); 5 bases into the intron after coding-DNA position 1454, G replaced by A.
Molecular consequence: intron variant.
Genome position (GRCh38, 1-based): chrX:101,248,295, G>A. VCF-style: chrX-101248295-G-A. GRCh37 (hg19) VCF-style: chrX-100503284-G-A.
Other names: c.1454+5G>A (NM_001939.2); c.1220+5G>A (NM_001171184.2).
Identifiers: ClinVar variation 1206276 (VCV001206276.15), dbSNP rs138775194, ClinGen allele CA10472267.

ClinVar aggregate classification (germline): Benign. Review status: criteria provided, multiple submitters, no conflicts (2 of 4 stars). 6 submissions from 6 submitters: Benign (4). 2 of the submissions do not count toward it. Last evaluated 2026-02-03.

Conditions:
DRP2-related disorder. Also called: DRP2-related condition.
Charcot-Marie-Tooth disease. Also called: Charcot-Marie-Tooth Neuropathy; Charcot-Marie-Tooth Hereditary Neuropathy. Identifiers: Orphanet 166, MedGen C0007959, MONDO:0015626.

Allele frequency attached by ClinVar (database versions not stated): 1000 Genomes Project 0.00636; 1000 Genomes Project 30x 0.00666; ESP Exome Variant Server 0.01174; gnomAD 0.01247 and 0.01267; TOPMed 0.01252; gnomAD exomes 0.01314 and 0.01714; ExAC 0.01331.
gnomAD v4.1: 20,245 of 1,206,199 alleles (1.7%); highest among the groups gnomAD compares: Middle Eastern, 6.3%; 134 homozygotes.

Submissions (9):

Labcorp Genetics (formerly Invitae), Labcorp
Classification: Benign. Last evaluated: 2026-02-03. Review status: criteria provided, single submitter. Criteria: Invitae Variant Classification Sherloc (09022015). Collection method: clinical testing. Allele origin: germline.

PreventionGenetics, part of Exact Sciences
Classification: Benign for DRP2-related condition. Last evaluated: 2025-10-14. Review status: criteria provided, single submitter. Criteria: ACMG Guidelines, 2015. Collection method: clinical testing. Allele origin: germline.
Comment: This variant is classified as benign based on ACMG/AMP sequence variant interpretation guidelines (Richards et al. 2015 PMID: 25741868, with internal and published modifications).

Molecular Genetics, Royal Melbourne Hospital
Classification: Benign for Charcot-Marie-Tooth disease. Last evaluated: 2023-05-04. Review status: criteria provided, single submitter. Criteria: ACMG Guidelines, 2015. Collection method: clinical testing. Allele origin: germline. Affected: no.
Comment: European Non-Finnish population allele frequency is 1.691% (rs138775194, 1,654/92,280 alleles, 6 homozygotes, 595 hemizygotes in gnomAD v2.1). Based on the classification scheme RMH Modified ACMG/AMP Guidelines v1.5.1, this variant is classified as BENIGN. Following criteria are met: BA1

Breakthrough Genomics
Classification: Benign. Review status: criteria provided, single submitter. Criteria: ACMG Guidelines, 2015. Collection method: not provided. Allele origin: germline. Inheritance: Unknown mechanism. Affected: yes.

Clinical Genetics, Academic Medical Center
Classification: Benign. Review status: no assertion criteria provided. Collection method: clinical testing. Allele origin: germline. Affected: yes. Study: VKGL Data-share Consensus. Not counted in ClinVar's aggregate classification.

Dr. Peter K. Rogan Lab, Western University
No classification provided (evidence only). Condition: Familial cancer of breast. Review status: no classification provided. Collection method: in vitro. Allele origin: not applicable. Functional consequence: retained intron. Not counted in ClinVar's aggregate classification.

Dr. Peter K. Rogan Lab, Western University
No classification provided (evidence only). Condition: Ovarian serous cystadenocarcinoma. Review status: no classification provided. Collection method: in vitro. Allele origin: not applicable. Functional consequence: retained intron. Not counted in ClinVar's aggregate classification.

Dr. Peter K. Rogan Lab, Western University
No classification provided (evidence only). Condition: Familial pancreatic carcinoma. Review status: no classification provided. Collection method: in vitro. Allele origin: not applicable. Functional consequence: retained intron. Not counted in ClinVar's aggregate classification.

Laboratory of Diagnostic Genome Analysis, Leiden University Medical Center (LUMC)
Classification: Likely benign. Review status: no assertion criteria provided. Collection method: clinical testing. Allele origin: germline. Affected: yes. Study: VKGL Data-share Consensus. Not counted in ClinVar's aggregate classification.